The following is an entry in ClinVar:

ClinVar aggregate classification (germline): Likely benign. Review status: criteria provided, multiple submitters, no conflicts (2 of 4 stars). 2 submissions from 2 submitters: Likely benign (2). Last evaluated 2025-01-31.

Conditions:
ABCA4-related disorder. Also called: ABCA4-related condition; ABCA4-related disorders. Identifiers: MedGen CN239167.

Allele frequency attached by ClinVar (database versions not stated): ExAC 0.00002; gnomAD exomes 0.00002; gnomAD 0.00005; TOPMed 0.00005.
gnomAD v4.1: 29 of 1,610,402 alleles (0.0018%); highest among the groups gnomAD compares: East Asian, 0.016%; no homozygotes.

Submissions (2):

PreventionGenetics, part of Exact Sciences
Classification: Likely benign for ABCA4-related condition. Last evaluated: 2025-01-31. Review status: criteria provided, single submitter. Criteria: ACMG Guidelines, 2015. Collection method: clinical testing. Allele origin: germline.
Comment: This variant is classified as likely benign based on ACMG/AMP sequence variant interpretation guidelines (Richards et al. 2015 PMID: 25741868, with internal and published modifications).

Labcorp Genetics (formerly Invitae), Labcorp
Classification: Likely benign. Last evaluated: 2024-02-10. Review status: criteria provided, single submitter. Criteria: Invitae Variant Classification Sherloc (09022015). Collection method: clinical testing. Allele origin: germline.

NM_000350.3(ABCA4):c.597G>A (p.Ala199=)

Gene: ABCA4 (ATP binding cassette subfamily A member 4; minus strand). Cytogenetic location: 1p22.1.
Variant type: single nucleotide variant.
Coding change: c.597G>A on transcript NM_000350.3 (MANE Select); coding-DNA position 597, G replaced by A.
Protein change: p.Ala199=; no amino-acid change (alanine 199 retained).
Molecular consequence: synonymous variant.
Genome position (GRCh38, 1-based): chr1:94,098,965, C>T on the plus strand (G>A on the coding strand, the complement: ABCA4 is on the minus strand). VCF-style: chr1-94098965-C-T. GRCh37 (hg19) VCF-style: chr1-94564521-C-T.
Other names: c.597G>A (NM_000350.2); c.597G>A, p.Ala199= (NM_001425324.1).
Identifiers: ClinVar variation 2064231 (VCV002064231.5), dbSNP rs771340174, ClinGen allele CA958788.